The following is an entry in ClinVar:

ClinVar aggregate classification (germline): Uncertain significance (1 of 4 stars; one submission).

Submission:

Labcorp Genetics (formerly Invitae), Labcorp
Classification: Uncertain significance. Last evaluated: 2025-06-12. Review status: criteria provided, single submitter. Criteria: Invitae Variant Classification Sherloc (09022015). Collection method: clinical testing. Allele origin: germline.
Comment: This sequence change replaces alanine, which is neutral and non-polar, with serine, which is neutral and polar, at codon 181 of the GLIS3 protein (p.Ala181Ser). This variant is not present in population databases (gnomAD no frequency). This variant has not been reported in the literature in individuals affected with GLIS3-related conditions. ClinVar contains an entry for this variant (Variation ID: 2011899). An algorithm developed to predict the effect of missense changes on protein structure and function outputs the following: PolyPhen-2: "Probably Damaging". The serine amino acid residue is found in multiple mammalian species, which suggests that this missense change does not adversely affect protein function. In summary, the available evidence is currently insufficient to determine the role of this variant in disease. Therefore, it has been classified as a Variant of Uncertain Significance.

NM_001042413.2(GLIS3):c.1006G>T (p.Ala336Ser)

Gene: GLIS3 (GLIS family zinc finger 3; minus strand). Cytogenetic location: 9p24.2.
Variant type: single nucleotide variant.
Coding change: c.1006G>T on transcript NM_001042413.2 (MANE Select); coding-DNA position 1006, G replaced by T.
Protein change: p.Ala336Ser; replaces alanine 336 with serine.
Molecular consequence: missense variant.
Genome position (GRCh38, 1-based): chr9:4,118,472, C>A on the plus strand (G>T on the coding strand, the complement: GLIS3 is on the minus strand). VCF-style: chr9-4118472-C-A. GRCh37 (hg19) VCF-style: chr9-4118472-C-A.
Other names: c.541G>T, p.Ala181Ser (NM_152629.4); short protein forms A336S, A181S.
Identifiers: ClinVar variation 2011899 (VCV002011899.2), dbSNP rs1037728573, ClinGen allele CA372807495.